The following is an entry in ClinVar:

ClinVar aggregate classification (germline): Uncertain significance (1 of 4 stars; one submission).

Conditions:
Cystic fibrosis (CF). Also called: MUCOVISCIDOSIS. Identifiers: Orphanet 586, MedGen C0010674, MONDO:0009061, OMIM 219700. Disease mechanism: loss of function.

Submission:

Laboratorio de Genetica e Diagnostico Molecular, Hospital Israelita Albert Einstein
Classification: Uncertain significance for Cystic fibrosis. Last evaluated: 2022-09-02. Review status: criteria provided, single submitter. Criteria: ACMG Guidelines, 2015. Collection method: clinical testing. Allele origin: germline. Affected: yes. Observed: 2 variant alleles.
Comment: ACMG classification criteria: PM2 moderated

NM_000492.4(CFTR):c.1585-11869_1585-11865del

Gene: CFTR (CF transmembrane conductance regulator; plus strand). Cytogenetic location: 7q31.2.
Variant type: Deletion.
Coding change: c.1585-11869_1585-11865del on transcript NM_000492.4 (MANE Select); 11869 bases into the intron before coding-DNA position 1585 through 11865 bases into the intron before coding-DNA position 1585, 5 bases deleted (GCATT; older notation c.1585-11869_1585-11865delGCATT).
Molecular consequence: intron variant.
Genome position (GRCh38, 1-based): chr7:117,575,870-117,575,874, GCATT deleted; deleting any 5 consecutive bases within chr7:117,575,866-117,575,874 gives the same sequence; the c. name uses the placement nearest the transcript's 3' end. VCF-style (leftmost placement, unchanged base first): chr7-117575865-ACATTG-A. GRCh37 (hg19) VCF-style: chr7-117215919-ACATTG-A.
Identifiers: ClinVar variation 2431354 (VCV002431354.1), dbSNP rs2485089295, ClinGen allele CA2580076288.
Genomic context (GRCh38, chr7:117,575,865, plus strand): 5'-GCACATTTAATACCATTTTGCTATTTGCAACCTGCAGGTCCTGGACTAACACAGTTCTAT[ACATTG>A]CATTACCATTCTCTAGAGTGGGATCTTTTGTTGTAGAGAGTTTTAAAATTTTTATGTAGT-3'